The following is an entry in ClinVar:

NM_004260.4(RECQL4):c.2264G>T (p.Arg755Leu)

Gene: RECQL4 (RecQ like helicase 4; minus strand). Cytogenetic location: 8q24.3.
Variant type: single nucleotide variant.
Coding change: c.2264G>T on transcript NM_004260.4 (MANE Select); coding-DNA position 2264, G replaced by T.
Protein change: p.Arg755Leu; replaces arginine 755 with leucine.
Molecular consequence: missense variant. On other transcripts: non-coding transcript variant (3).
Genome position (GRCh38, 1-based): chr8:144,513,417, C>A on the plus strand (G>T on the coding strand, the complement: RECQL4 is on the minus strand). VCF-style: chr8-144513417-C-A. GRCh37 (hg19) VCF-style: chr8-145738801-C-A.
Other names: c.2168G>T, p.Arg723Leu (NM_001413017.1, NM_001413020.1); c.2264G>T, p.Arg755Leu (NM_001413018.1, NM_001413019.1, NM_001413036.1); c.1193G>T, p.Arg398Leu (NM_001413021.1, NM_001413022.1, NM_001413023.1 and 6 more transcripts); c.2135G>T, p.Arg712Leu (NM_001413025.1); c.1127G>T, p.Arg376Leu (NM_001413027.1, NM_001413030.1, NM_001413032.1 and 1 more transcripts); c.1913G>T, p.Arg638Leu (NM_001413029.1); c.995G>T, p.Arg332Leu (NM_001413031.1); c.2132G>T, p.Arg711Leu (NM_001413033.1); and 4 more; short protein forms R332L, R398L, R638L, R711L, R755L, R354L, R723L, R745L.
Identifiers: ClinVar variation 3788010 (VCV003788010.1).

ClinVar aggregate classification (germline): Uncertain significance (1 of 4 stars; one submission).

Conditions:
Inborn genetic diseases. Identifiers: MedGen C0950123, MeSH D030342.

gnomAD v4.1: 1 of 1,609,224 alleles (0.000062%); highest among the groups gnomAD compares: East Asian, 0.0022%; no homozygotes.

Submission:

Ambry Genetics
Classification: Uncertain significance for Inborn genetic diseases. Last evaluated: 2025-01-26. Review status: criteria provided, single submitter. Criteria: Ambry Variant Classification Scheme 2023. Collection method: clinical testing. Allele origin: germline.
Comment: The p.R755L variant (also known as c.2264G>T), located in coding exon 14 of the RECQL4 gene, results from a G to T substitution at nucleotide position 2264. The arginine at codon 755 is replaced by leucine, an amino acid with dissimilar properties. This amino acid position is conserved. In addition, this alteration is predicted to be deleterious by in silico analysis. Based on the available evidence, the clinical significance of this variant remains unclear.